The following is an entry in ClinVar:

ClinVar aggregate classification (germline): Conflicting classifications of pathogenicity. Review status: criteria provided, conflicting classifications (1 of 4 stars). 3 submissions from 3 submitters: Uncertain significance (2); Likely benign (1). Last evaluated 2026-07-01.

Allele frequency attached by ClinVar (database versions not stated): gnomAD exomes 0.00003; ExAC 0.00004.

Submissions (3):

CeGaT Center for Human Genetics Tuebingen
Classification: Likely benign. Last evaluated: 2026-07-01. Review status: criteria provided, single submitter. Criteria: CeGaT Center For Human Genetics Tuebingen Variant Classification Criteria Version 2. Collection method: clinical testing. Allele origin: germline. Affected: yes. Observed: 4 variant alleles.
Comment: FMN2: BP4

Genomic Diagnostic Laboratory, Division of Genomic Diagnostics, Children's Hospital of Philadelphia
Classification: Uncertain significance. Last evaluated: 2015-05-12. Review status: criteria provided, single submitter. Criteria: DGD Variant Analysis Guidelines. Collection method: clinical testing. Allele origin: unknown.

Breakthrough Genomics
Classification: Uncertain significance. Review status: criteria provided, single submitter. Criteria: ACMG Guidelines, 2015. Collection method: not provided. Allele origin: germline. Inheritance: Autosomal recessive inheritance. Affected: yes.

NM_020066.5(FMN2):c.3413C>T (p.Ala1138Val)

Gene: FMN2 (formin 2; plus strand). Cytogenetic location: 1q43.
Variant type: single nucleotide variant.
Coding change: c.3413C>T on transcript NM_020066.5 (MANE Select); coding-DNA position 3413, C replaced by T.
Protein change: p.Ala1138Val; replaces alanine 1138 with valine.
Molecular consequence: missense variant. On other transcripts: intron variant (1).
Genome position (GRCh38, 1-based): chr1:240,208,225, C>T. VCF-style: chr1-240208225-C-T. GRCh37 (hg19) VCF-style: chr1-240371525-C-T.
Other names: c.3425C>T, p.Ala1142Val (NM_001305424.2); c.1986+19963C>T (NM_001348094.2); short protein forms A1142V, A1138V.
Identifiers: ClinVar variation 218767 (VCV000218767.26), dbSNP rs199570117, ClinGen allele CA248903.
Genomic context (GRCh38, chr1:240,208,225, plus strand): 5'-TACCCCCTCCTCCCCCTCTACCCGGAGCGGGCATACCCCCTCCTCCCCCTCTTCCCGGAG[C>T]GGGCATACCTCCTCCACCCCCTCTACCCAGAGTGGGCATACCCCCTCCGCCCCCACTTCC-3'
Protein context (NP_064450.3, residues 1128-1148): GIPPPPPLPG[Ala1138Val]GIPPPPPLPR